The following is an entry in ClinVar:

NM_000843.4(GRM6):c.1346G>A (p.Arg449His)

Genes: GRM6 (glutamate metabotropic receptor 6; minus strand), ZNF454 (zinc finger protein 454; plus strand). Cytogenetic location: 5q35.3.
Variant type: single nucleotide variant.
Coding change: c.1346G>A on transcript NM_000843.4 (MANE Select); coding-DNA position 1346, G replaced by A.
Protein change: p.Arg449His; replaces arginine 449 with histidine.
Molecular consequence: missense variant.
Genome position (GRCh38, 1-based): chr5:178,988,943, C>T on the plus strand (G>A on the coding strand, the complement: GRM6 is on the minus strand). VCF-style: chr5-178988943-C-T. GRCh37 (hg19) VCF-style: chr5-178415944-C-T.
Other names: c.1346G>A (NM_000843.3); short protein forms R449H.
Identifiers: ClinVar variation 1501653 (VCV001501653.5), dbSNP rs369861368, ClinGen allele CA3594118.

ClinVar aggregate classification (germline): Uncertain significance. Review status: criteria provided, multiple submitters, no conflicts (2 of 4 stars). 2 submissions from 2 submitters: Uncertain significance (2). Last evaluated 2023-05-22.

Conditions:
Inborn genetic diseases. Identifiers: MedGen C0950123, MeSH D030342.

Allele frequency attached by ClinVar (database versions not stated): gnomAD exomes 0.00001 and 0.00004; ExAC 0.00004; gnomAD 0.00006; TOPMed 0.00007; ESP Exome Variant Server 0.00008; 1000 Genomes Project 30x 0.00016; 1000 Genomes Project 0.00020.
gnomAD v4.1: 28 of 1,612,446 alleles (0.0017%); highest among the groups gnomAD compares: African/African-American, 0.016%; no homozygotes.

Submissions (2):

Ambry Genetics
Classification: Uncertain significance for Inborn genetic diseases. Last evaluated: 2023-05-22. Review status: criteria provided, single submitter. Criteria: Ambry Variant Classification Scheme 2023. Collection method: clinical testing. Allele origin: germline.

Labcorp Genetics (formerly Invitae), Labcorp
Classification: Uncertain significance. Last evaluated: 2022-10-28. Review status: criteria provided, single submitter. Criteria: Invitae Variant Classification Sherloc (09022015). Collection method: clinical testing. Allele origin: germline.
Comment: This sequence change replaces arginine, which is basic and polar, with histidine, which is basic and polar, at codon 449 of the GRM6 protein (p.Arg449His). This variant is present in population databases (rs369861368, gnomAD 0.02%). This variant has not been reported in the literature in individuals affected with GRM6-related conditions. ClinVar contains an entry for this variant (Variation ID: 1501653). Advanced modeling of protein sequence and biophysical properties (such as structural, functional, and spatial information, amino acid conservation, physicochemical variation, residue mobility, and thermodynamic stability) performed at Invitae indicates that this missense variant is not expected to disrupt GRM6 protein function. In summary, the available evidence is currently insufficient to determine the role of this variant in disease. Therefore, it has been classified as a Variant of Uncertain Significance.